The following is an entry in ClinVar:

NM_004153.4(ORC1):c.578A>T (p.Lys193Met)

Gene: ORC1 (origin recognition complex subunit 1; minus strand). Cytogenetic location: 1p32.3.
Variant type: single nucleotide variant.
Coding change: c.578A>T on transcript NM_004153.4 (MANE Select); coding-DNA position 578, A replaced by T.
Protein change: p.Lys193Met; replaces lysine 193 with methionine.
Molecular consequence: missense variant.
Genome position (GRCh38, 1-based): chr1:52,396,189, T>A on the plus strand (A>T on the coding strand, the complement: ORC1 is on the minus strand). VCF-style: chr1-52396189-T-A. GRCh37 (hg19) VCF-style: chr1-52861861-T-A.
Other names: c.578A>T, p.Lys193Met (NM_001190818.2, NM_001190819.2); short protein forms K193M.
Identifiers: ClinVar variation 1040931 (VCV001040931.9), dbSNP rs201737703, ClinGen allele CA853559.

ClinVar aggregate classification (germline): Uncertain significance (1 of 4 stars; one submission).

Allele frequency attached by ClinVar (database versions not stated): gnomAD exomes below 0.00001 and 0.00002; TOPMed below 0.00001; ExAC 0.00001; gnomAD 0.00002; 1000 Genomes Project 30x 0.00016; 1000 Genomes Project 0.00020.

Submission:

Labcorp Genetics (formerly Invitae), Labcorp
Classification: Uncertain significance. Last evaluated: 2020-01-27. Review status: criteria provided, single submitter. Criteria: Invitae Variant Classification Sherloc (09022015). Collection method: clinical testing. Allele origin: germline.
Comment: This variant has not been reported in the literature in individuals with ORC1-related conditions. Algorithms developed to predict the effect of missense changes on protein structure and function (SIFT, PolyPhen-2, Align-GVGD) all suggest that this variant is likely to be tolerated, but these predictions have not been confirmed by published functional studies and their clinical significance is uncertain. In summary, the available evidence is currently insufficient to determine the role of this variant in disease. Therefore, it has been classified as a Variant of Uncertain Significance. This variant is present in population databases (rs201737703, ExAC 0.01%). This sequence change replaces lysine with methionine at codon 193 of the ORC1 protein (p.Lys193Met). The lysine residue is moderately conserved and there is a moderate physicochemical difference between lysine and methionine.